The following is an entry in ClinVar:

NM_182931.3(KMT2E):c.4849A>G (p.Ile1617Val)

Gene: KMT2E (lysine methyltransferase 2E (inactive); plus strand). Cytogenetic location: 7q22.3.
Variant type: single nucleotide variant.
Coding change: c.4849A>G on transcript NM_182931.3 (MANE Select); coding-DNA position 4849, A replaced by G.
Protein change: p.Ile1617Val; replaces isoleucine 1617 with valine.
Molecular consequence: missense variant.
Genome position (GRCh38, 1-based): chr7:105,112,605, A>G. VCF-style: chr7-105112605-A-G. GRCh37 (hg19) VCF-style: chr7-104753052-A-G.
Other names: c.4723A>G, p.Ile1575Val (NM_001410908.1); c.4849A>G, p.Ile1617Val (NM_018682.4); short protein forms I1617V, I1575V.
Identifiers: ClinVar variation 2328853 (VCV002328853.3), dbSNP rs1212779795, ClinGen allele CA368793716.

ClinVar aggregate classification (germline): Uncertain significance (1 of 4 stars; one submission).

Conditions:
Inborn genetic diseases. Identifiers: MedGen C0950123, MeSH D030342.

Allele frequency attached by ClinVar (database versions not stated): gnomAD exomes 0.00001.
gnomAD v4.1: 17 of 1,613,796 alleles (0.0011%); highest among the groups gnomAD compares: Non-Finnish European, 0.0014%; no homozygotes.

Submission:

Ambry Genetics
Classification: Uncertain significance for Inborn genetic diseases. Last evaluated: 2025-12-08. Review status: criteria provided, single submitter. Criteria: Ambry Variant Classification Scheme 2023. Collection method: clinical testing. Allele origin: germline.
Comment: The c.4849A>G (p.I1617V) alteration is located in exon 27 (coding exon 25) of the KMT2E gene. This alteration results from a A to G substitution at nucleotide position 4849, causing the isoleucine (I) at amino acid position 1617 to be replaced by a valine (V). Based on data from gnomAD, the G allele has an overall frequency of <0.001% (1/251216) total alleles studied. The highest observed frequency was 0.001% (1/113516) of European (non-Finnish) alleles. Based on insufficient or conflicting evidence, the clinical significance of this alteration remains unclear.